The following is an entry in ClinVar:

NM_005554.4(KRT6A):c.1393T>C (p.Tyr465His)

Gene: KRT6A (keratin 6A; minus strand). Cytogenetic location: 12q13.13.
Variant type: single nucleotide variant.
Coding change: c.1393T>C on transcript NM_005554.4 (MANE Select); coding-DNA position 1393, T replaced by C.
Protein change: p.Tyr465His; replaces tyrosine 465 with histidine.
Molecular consequence: missense variant.
Genome position (GRCh38, 1-based): chr12:52,488,359, A>G on the plus strand (T>C on the coding strand, the complement: KRT6A is on the minus strand). VCF-style: chr12-52488359-A-G. GRCh37 (hg19) VCF-style: chr12-52882143-A-G.
Other names: short protein forms Y465H.
Identifiers: ClinVar variation 66572 (VCV000066572.2), dbSNP rs267607463, ClinGen allele CA217335.

ClinVar aggregate classification (germline): Pathogenic. Review status: criteria provided, single submitter (1 of 4 stars). 2 submissions from 2 submitters: Pathogenic (1). 1 of the submissions does not count toward it. Last evaluated 2015-04-10.

Submissions (2):

GeneDx
Classification: Pathogenic. Last evaluated: 2015-04-10. Review status: criteria provided, single submitter. Criteria: GeneDx Variant Classification (06012015). Collection method: clinical testing. Allele origin: germline. Affected: yes.
Comment: The Y465H variant has been reported previously to co-segregate with pachyonychia congenita in one family(Bai et al., 2008). The Y465H substitution was not observed in approximately 6,500 individuals of European and African American ancestry in the NHLBI Exome Sequencing Project, indicating it is not a common benignvariant in these populations. It is located in the helix termination motif (2B region) of the alpha-helical roddomain of keratin 6A, a known hotspot. Another missense variant involving this residue (Y465C)and in nearby residues (E461K, I462N, I462S, A463P, T464P, L468Q, L468P, L469R, L469P, E472K,E472D) also have been published in association with pachyonychia congenita according to the Human GeneMutation Database (HGMD) (Stenson et al., 2014). Therefore, we consider Y465H in KRT6A to be apathogenic variant.

Epithelial Biology; Institute of Medical Biology, Singapore
No classification provided. Review status: no classification provided. Collection method: not provided. Allele origin: not provided. Not counted in ClinVar's aggregate classification.